The following is an entry in ClinVar:

NM_182925.5(FLT4):c.1289C>T (p.Ser430Phe)

Gene: FLT4 (fms related receptor tyrosine kinase 4; minus strand). Cytogenetic location: 5q35.3.
Variant type: single nucleotide variant.
Coding change: c.1289C>T on transcript NM_182925.5 (MANE Select); coding-DNA position 1289, C replaced by T.
Protein change: p.Ser430Phe; replaces serine 430 with phenylalanine.
Molecular consequence: missense variant.
Genome position (GRCh38, 1-based): chr5:180,626,001, G>A on the plus strand (C>T on the coding strand, the complement: FLT4 is on the minus strand). VCF-style: chr5-180626001-G-A. GRCh37 (hg19) VCF-style: chr5-180053001-G-A.
Other names: c.1289C>T, p.Ser430Phe (NM_001354989.2, NM_002020.5); short protein forms S430F.
Identifiers: ClinVar variation 5006883 (VCV005006883.2).

ClinVar aggregate classification (germline): Uncertain significance (1 of 4 stars; one submission).

Conditions:
Congenital heart defects, multiple types, 7. Identifiers: MedGen C5394062, MONDO:0032913, OMIM 618780.
Hereditary lymphedema type I (LMPHM1). Also called: Nonne-Milroy disease; Congenital hereditary lymphedema; Early onset lymphedema; Hereditary lymphedema 1; Primary congenital lymphedema; Meige's disease. Identifiers: Orphanet 79452, MedGen C1704423, MONDO:0007919, OMIM 153100.
Capillary infantile hemangioma. Also called: HEMANGIOMA, HEREDITARY CAPILLARY; Hereditary capillary infantile hemangioma; Hemangioma, capillary infantile, somatic. Identifiers: MedGen C1865871, MONDO:0011191, OMIM 602089.

Submission:

Juno Genomics, Hangzhou Juno Genomics, Inc
Classification: Uncertain significance for Congenital heart defects, multiple types, 7; Capillary infantile hemangioma; Hereditary lymphedema type I. Review status: criteria provided, single submitter. Criteria: ACMG Guidelines, 2015. Collection method: clinical testing. Allele origin: germline.
Comment: Absent from controls (or at extremely low frequency if recessive) in Genome Aggregation Database.;The prevalence of the variant in affected individuals is significantly increased compared to the prevalence in controls.